The following is an entry in ClinVar:

ClinVar aggregate classification (germline): Uncertain significance (1 of 4 stars; one submission).

Submission:

Labcorp Genetics (formerly Invitae), Labcorp
Classification: Uncertain significance. Last evaluated: 2024-12-04. Review status: criteria provided, single submitter. Criteria: Invitae Variant Classification Sherloc (09022015). Collection method: clinical testing. Allele origin: germline.
Comment: This sequence change replaces isoleucine, which is neutral and non-polar, with asparagine, which is neutral and polar, at codon 328 of the GPR45 protein (p.Ile328Asn). This variant is present in population databases (rs750727237, gnomAD 0.0009%). This variant has not been reported in the literature in individuals affected with GPR45-related conditions. An algorithm developed to predict the effect of missense changes on protein structure and function (PolyPhen-2) suggests that this variant is likely to be tolerated. In summary, the available evidence is currently insufficient to determine the role of this variant in disease. Therefore, it has been classified as a Variant of Uncertain Significance.

NM_007227.3(GPR45):c.983T>A (p.Ile328Asn)

Gene: GPR45 (G protein-coupled receptor 45; plus strand). Cytogenetic location: 2q12.1.
Variant type: single nucleotide variant.
Coding change: c.983T>A on transcript NM_007227.3 (MANE Select); coding-DNA position 983, T replaced by A.
Protein change: p.Ile328Asn; replaces isoleucine 328 with asparagine.
Molecular consequence: missense variant.
Genome position (GRCh38, 1-based): chr2:105,242,841, T>A. VCF-style: chr2-105242841-T-A. GRCh37 (hg19) VCF-style: chr2-105859298-T-A.
Other names: short protein forms I328N.
Identifiers: ClinVar variation 3688551 (VCV003688551.2).